The following is an entry in ClinVar:

ClinVar aggregate classification (germline): Uncertain significance. Review status: criteria provided, multiple submitters, no conflicts (2 of 4 stars). 2 submissions from 2 submitters: Uncertain significance (2). Last evaluated 2025-07-15.

Conditions:
Inborn genetic diseases. Identifiers: MedGen C0950123, MeSH D030342.

Allele frequency attached by ClinVar (database versions not stated): gnomAD exomes below 0.00001; gnomAD 0.00001.
gnomAD v4.1: 2 of 1,610,740 alleles (0.00012%); highest among the groups gnomAD compares: East Asian, 0.0022%; no homozygotes.

Submissions (2):

Ambry Genetics
Classification: Uncertain significance for Inborn genetic diseases. Last evaluated: 2025-07-15. Review status: criteria provided, single submitter. Criteria: Ambry Variant Classification Scheme 2023. Collection method: clinical testing. Allele origin: germline.

Labcorp Genetics (formerly Invitae), Labcorp
Classification: Uncertain significance. Last evaluated: 2022-07-19. Review status: criteria provided, single submitter. Criteria: Invitae Variant Classification Sherloc (09022015). Collection method: clinical testing. Allele origin: germline.
Comment: In summary, the available evidence is currently insufficient to determine the role of this variant in disease. Therefore, it has been classified as a Variant of Uncertain Significance. This sequence change replaces threonine, which is neutral and polar, with isoleucine, which is neutral and non-polar, at codon 1052 of the SI protein (p.Thr1052Ile). This variant is not present in population databases (gnomAD no frequency). This variant has not been reported in the literature in individuals affected with SI-related conditions. ClinVar contains an entry for this variant (Variation ID: 1489528). Advanced modeling of protein sequence and biophysical properties (such as structural, functional, and spatial information, amino acid conservation, physicochemical variation, residue mobility, and thermodynamic stability) performed at Invitae indicates that this missense variant is not expected to disrupt SI protein function.

NM_001041.4(SI):c.3155C>T (p.Thr1052Ile)

Gene: SI (sucrase-isomaltase; minus strand). Cytogenetic location: 3q26.1.
Variant type: single nucleotide variant.
Coding change: c.3155C>T on transcript NM_001041.4 (MANE Select); coding-DNA position 3155, C replaced by T.
Protein change: p.Thr1052Ile; replaces threonine 1052 with isoleucine.
Molecular consequence: missense variant.
Genome position (GRCh38, 1-based): chr3:165,021,328, G>A on the plus strand (C>T on the coding strand, the complement: SI is on the minus strand). VCF-style: chr3-165021328-G-A. GRCh37 (hg19) VCF-style: chr3-164739116-G-A.
Other names: c.3155C>T (NM_001041.3); short protein forms T1052I.
Identifiers: ClinVar variation 1489528 (VCV001489528.6), dbSNP rs1711601237, ClinGen allele CA355041071.